The following is an entry in ClinVar:

NM_032646.6(TTYH2):c.798G>A (p.Ala266=)

Gene: TTYH2 (tweety family member 2; plus strand). Cytogenetic location: 17q25.1.
Variant type: single nucleotide variant.
Coding change: c.798G>A on transcript NM_032646.6 (MANE Select); coding-DNA position 798, G replaced by A.
Protein change: p.Ala266=; no amino-acid change (alanine 266 retained).
Molecular consequence: synonymous variant.
Genome position (GRCh38, 1-based): chr17:74,244,043, G>A. VCF-style: chr17-74244043-G-A. GRCh37 (hg19) VCF-style: chr17-72240182-G-A.
Other names: c.735G>A, p.Ala245= (NM_001330453.2).
Identifiers: ClinVar variation 2648188 (VCV002648188.24), dbSNP rs143670144, ClinGen allele CA8744747.

ClinVar aggregate classification (germline): Likely benign (1 of 4 stars; one submission).

Allele frequency attached by ClinVar (database versions not stated): 1000 Genomes Project 30x 0.00125; ExAC 0.00128; 1000 Genomes Project 0.00140; gnomAD 0.00152; ESP Exome Variant Server 0.00192; TOPMed 0.00216.
gnomAD v4.1: 2,721 of 1,611,288 alleles (0.17%); highest among the groups gnomAD compares: Non-Finnish European, 0.21%; 7 homozygotes.

Submission:

CeGaT Center for Human Genetics Tuebingen
Classification: Likely benign. Last evaluated: 2022-05-01. Review status: criteria provided, single submitter. Criteria: CeGaT Center For Human Genetics Tuebingen Variant Classification Criteria Version 2. Collection method: clinical testing. Allele origin: germline. Affected: yes. Observed: 1 variant allele.
Comment: TTYH2: BP4, BP7